The following is an entry in ClinVar:

NM_015107.3(PHF8):c.2132A>C (p.Glu711Ala)

Gene: PHF8 (PHD finger protein 8; minus strand). Cytogenetic location: Xp11.22.
Variant type: single nucleotide variant.
Coding change: c.2132A>C on transcript NM_015107.3 (MANE Select); coding-DNA position 2132, A replaced by C.
Protein change: p.Glu711Ala; replaces glutamic acid 711 with alanine.
Molecular consequence: missense variant.
Genome position (GRCh38, 1-based): chrX:53,985,225, T>G on the plus strand (A>C on the coding strand, the complement: PHF8 is on the minus strand). VCF-style: chrX-53985225-T-G. GRCh37 (hg19) VCF-style: chrX-54011658-T-G.
Other names: c.2240A>C, p.Glu747Ala (NM_001184896.1); c.1829A>C, p.Glu610Ala (NM_001184897.2); c.2081A>C, p.Glu694Ala (NM_001184898.2); c.2132A>C (NM_015107.2); short protein forms E610A, E694A, E711A, E747A.
Identifiers: ClinVar variation 2434687 (VCV002434687.6), dbSNP rs781837094, ClinGen allele CA10423328.

ClinVar aggregate classification (germline): Conflicting classifications of pathogenicity. Review status: criteria provided, conflicting classifications (1 of 4 stars). 3 submissions from 3 submitters: Uncertain significance (2); Likely benign (1). Last evaluated 2024-11-27.

Conditions:
Intellectual developmental disorder, X-linked, syndromic, Siderius type. Also called: Syndromic X-linked intellectual disability Siderius type. Identifiers: Orphanet 85287, MedGen C1846055, MONDO:0010286, OMIM 300263.
Inborn genetic diseases. Identifiers: MedGen C0950123, MeSH D030342.

Allele frequency attached by ClinVar (database versions not stated): gnomAD exomes below 0.00001; TOPMed below 0.00001; gnomAD 0.00001; ExAC 0.00002.
gnomAD v4.1: 3 of 1,190,554 alleles (0.00025%); highest among the groups gnomAD compares: East Asian, 0.0091%; no homozygotes.

Submissions (3):

Women's Health and Genetics/Laboratory Corporation of America, LabCorp
Classification: Uncertain significance. Last evaluated: 2024-11-27. Review status: criteria provided, single submitter. Criteria: LabCorp Variant Classification Summary - May 2015. Collection method: clinical testing. Allele origin: germline.
Comment: Variant summary: PHF8 c.2132A>C (p.Glu711Ala) results in a non-conservative amino acid change in the encoded protein sequence. Three of five in-silico tools predict a damaging effect of the variant on protein function. The variant allele was found at a frequency of 1.3e-05 in 153590 control chromosomes. The available data on variant occurrences in the general population are insufficient to allow any conclusion about variant significance. To our knowledge, no occurrence of c.2132A>C in individuals affected with X-Linked Intellectual Disability Syndrome, Siderius Type and no experimental evidence demonstrating its impact on protein function have been reported. ClinVar contains an entry for this variant (Variation ID: 2434687). Based on the evidence outlined above, the variant was classified as uncertain significance.

Ambry Genetics
Classification: Likely benign for Inborn genetic diseases. Last evaluated: 2024-09-03. Review status: criteria provided, single submitter. Criteria: Ambry Variant Classification Scheme 2023. Collection method: clinical testing. Allele origin: germline.

Revvity Omics, Revvity
Classification: Uncertain significance for Intellectual developmental disorder, X-linked, syndromic, Siderius type. Last evaluated: 2021-03-16. Review status: criteria provided, single submitter. Criteria: ACMG Guidelines, 2015. Collection method: clinical testing. Allele origin: germline.